The following is an entry in ClinVar:

ClinVar aggregate classification (germline): Uncertain significance. Review status: criteria provided, multiple submitters, no conflicts (2 of 4 stars). 3 submissions from 3 submitters: Uncertain significance (3). Last evaluated 2025-03-20.

Conditions:
Autosomal recessive ataxia, Beauce type. Also called: SYNE1 Deficiency; Spinocerebellar ataxia, autosomal recessive 8; ATAXIA, RECESSIVE, OF BEAUCE; SYNE1-Related Autosomal Recessive Cerebellar Ataxia. Identifiers: Orphanet 88644, MedGen C1853116, MONDO:0012549, OMIM 610743.

gnomAD v4.1: 82 of 1,613,944 alleles (0.0051%); highest among the groups gnomAD compares: Non-Finnish European, 0.0061%; no homozygotes.

Submissions (3):

GeneDx
Classification: Uncertain significance. Last evaluated: 2025-03-20. Review status: criteria provided, single submitter. Criteria: GeneDx Variant Classification Process June 2021. Collection method: clinical testing. Allele origin: germline. Affected: yes.
Comment: Reported in an individual with amyotrophic lateral sclerosis (PMID: 27790088); In silico analysis supports that this missense variant has a deleterious effect on protein structure/function; This variant is associated with the following publications: (PMID: 27790088)

Blueprint Genetics
Classification: Uncertain significance. Last evaluated: 2023-08-28. Review status: criteria provided, single submitter. Criteria: ACMG Guidelines, 2015. Collection method: clinical testing. Allele origin: germline.

Victorian Clinical Genetics Services, Murdoch Childrens Research Institute
Classification: Uncertain significance for Autosomal recessive ataxia, Beauce type. Last evaluated: 2020-05-26. Review status: criteria provided, single submitter. Criteria: ACMG Guidelines, 2015. Collection method: clinical testing. Allele origin: germline. Inheritance: Autosomal recessive inheritance. Affected: yes.
Comment: Based on the classification scheme VCGS_Germline_v1.1.1, this variant is classified as 3B - VUS. Following criteria are met: 0102 - Loss-of-function is a known mechanism of disease for this gene. (N) 0104 - Dominant Negative is a mechanism of disease for this gene. (N) 0108 - This gene is known to be associated with both recessive and dominant disease (OMIM). (N) 0200 - Variant is predicted to result in a missense amino acid change arginine to tryptophan (exon 52) (N) 0251 - Variant is heterozygous. (N) 0304 - Variant is present in gnomAD 0.01 for a recessive condition (7 heterozygotes, 0 homozygotes). (P) 0309 - An alternative amino acid change at the same position has been observed in gnomAD (2 heterozygotes, 0 homozygotes). (N) 0502 - Missense variant with conflicting in-silico predictions and/or uninformative conservation. (N) 0600 - Variant is located in an annotated domain or motif. (SMC B super family; NCBI) (N) 0705 - No comparable variants have previous evidence for pathogenicity (N) 0807 - Variant has not previously been reported in a clinical context, however, it was observed in a patient with ALS where a pathogenic variant in another gene was identified (PMID: 27790088). (N) 0905 - No segregation evidence has been identified for this variant. (N) 1007 - No published functional evidence has been identified for this variant. (N) Legend: (P) - Pathogenic, (N) - Neutral, (B) - Benign

Literature cited by the submitters: PubMed 27790088 (cited by Victorian Clinical Genetics Services, Murdoch Childrens Research Institute).

NM_182961.4(SYNE1):c.7849C>T (p.Arg2617Trp)

Gene: SYNE1 (spectrin repeat containing nuclear envelope protein 1; minus strand). Cytogenetic location: 6q25.2.
Variant type: single nucleotide variant.
Coding change: c.7849C>T on transcript NM_182961.4 (MANE Select); coding-DNA position 7849, C replaced by T.
Protein change: p.Arg2617Trp; replaces arginine 2617 with tryptophan.
Molecular consequence: missense variant.
Genome position (GRCh38, 1-based): chr6:152,391,432, G>A on the plus strand (C>T on the coding strand, the complement: SYNE1 is on the minus strand). VCF-style: chr6-152391432-G-A. GRCh37 (hg19) VCF-style: chr6-152712567-G-A.
Other names: c.7870C>T, p.Arg2624Trp (NM_033071.5); short protein forms R2617W, R2624W.
Identifiers: ClinVar variation 3377368 (VCV003377368.3).
Genomic context (GRCh38, chr6:152,391,432, plus strand): 5'-ACATGCTTTGCAGTGCTTCCTCCAGGGCTTCGTGCTCCTGAAGGGCCACCTGGCAGCTCC[G>A]GAGTTTCTCTTTGGTCATTCTAAGTAGGTTCTGGTGGCTTGTGAGGAGCTGGGAACACAG-3'
Protein context (NP_892006.3, residues 2607-2627): NLLRMTKEKL[Arg2617Trp]SCQVALQEHE